The following is an entry in ClinVar:

NM_002528.7(NTHL1):c.911T>A (p.Leu304His)

Gene: NTHL1 (nth like DNA glycosylase 1; minus strand). Cytogenetic location: 16p13.3.
Variant type: single nucleotide variant.
Coding change: c.911T>A on transcript NM_002528.7 (MANE Select); coding-DNA position 911, T replaced by A.
Protein change: p.Leu304His; replaces leucine 304 with histidine.
Molecular consequence: missense variant.
Genome position (GRCh38, 1-based): chr16:2,039,928, A>T on the plus strand (T>A on the coding strand, the complement: NTHL1 is on the minus strand). VCF-style: chr16-2039928-A-T. GRCh37 (hg19) VCF-style: chr16-2089929-A-T.
Other names: c.740T>A, p.Leu247His (NM_001318193.2); c.581T>A, p.Leu194His (NM_001318194.2); short protein forms L247H, L194H, L304H.
Identifiers: ClinVar variation 823190 (VCV000823190.15), dbSNP rs1395305678, ClinGen allele CA394286943.

ClinVar aggregate classification (germline): Uncertain significance. Review status: criteria provided, multiple submitters, no conflicts (2 of 4 stars). 2 submissions from 2 submitters: Uncertain significance (2). Last evaluated 2024-10-11.

Conditions:
Hereditary cancer-predisposing syndrome. Also called: Tumor predisposition; Hereditary Cancer Syndrome; Neoplastic Syndromes, Hereditary; Hereditary neoplastic syndrome. Identifiers: Orphanet 140162, MedGen C0027672, MeSH D009386, MONDO:0015356.

Allele frequency attached by ClinVar (database versions not stated): gnomAD exomes below 0.00001.
gnomAD v4.1: 2 of 1,602,068 alleles (0.00012%); highest among the groups gnomAD compares: Non-Finnish European, 0.00017%; no homozygotes.

Submissions (2):

Ambry Genetics
Classification: Uncertain significance for Hereditary cancer-predisposing syndrome. Last evaluated: 2024-10-11. Review status: criteria provided, single submitter. Criteria: Ambry Variant Classification Scheme 2023. Collection method: clinical testing. Allele origin: germline.
Comment: The p.L312H variant (also known as c.935T>A), located in coding exon 6 of the NTHL1 gene, results from a T to A substitution at nucleotide position 935. The leucine at codon 312 is replaced by histidine, an amino acid with similar properties. This amino acid position is well conserved in available vertebrate species. In addition, this alteration is predicted to be tolerated by in silico analysis. Since supporting evidence is limited at this time, the clinical significance of this alteration remains unclear.

Labcorp Genetics (formerly Invitae), Labcorp
Classification: Uncertain significance. Last evaluated: 2024-04-30. Review status: criteria provided, single submitter. Criteria: Invitae Variant Classification Sherloc (09022015). Collection method: clinical testing. Allele origin: germline.
Comment: This sequence change replaces leucine, which is neutral and non-polar, with histidine, which is basic and polar, at codon 312 of the NTHL1 protein (p.Leu312His). This variant is present in population databases (no rsID available, gnomAD 0.0009%). This variant has not been reported in the literature in individuals affected with NTHL1-related conditions. ClinVar contains an entry for this variant (Variation ID: 823190). An algorithm developed to predict the effect of missense changes on protein structure and function (PolyPhen-2) suggests that this variant is likely to be disruptive. In summary, the available evidence is currently insufficient to determine the role of this variant in disease. Therefore, it has been classified as a Variant of Uncertain Significance.